The following is an entry in ClinVar:

NM_024529.5(CDC73):c.809_826del (p.Ala270_Pro275del)

Gene: CDC73 (cell division cycle 73; plus strand). Cytogenetic location: 1q31.2.
Variant type: Deletion.
Coding change: c.809_826del on transcript NM_024529.5 (MANE Select); coding-DNA positions 809 to 826, 18 bases deleted (CCCCAAATGCAGCACCTG).
Protein change: p.Ala270_Pro275del.
Molecular consequence: inframe deletion.
Genome position (GRCh38, 1-based): chr1:193,147,946-193,147,963, CCCCAAATGCAGCACCTG deleted; deleting any 18 consecutive bases within chr1:193,147,941-193,147,963 gives the same sequence; the c. name uses the placement nearest the transcript's 3' end. VCF-style (leftmost placement, unchanged base first): chr1-193147940-GACCTGCCCCAAATGCAGC-G. GRCh37 (hg19) VCF-style: chr1-193117070-GACCTGCCCCAAATGCAGC-G.
Identifiers: ClinVar variation 2022091 (VCV002022091.4), dbSNP rs2527336895, ClinGen allele CA2580061782.

ClinVar aggregate classification (germline): Uncertain significance (1 of 4 stars; one submission).

Conditions:
Parathyroid carcinoma (PRTC). Also called: CDC73-Related Parathyroid Carcinoma; Parathyroid gland carcinoma. Identifiers: Orphanet 143, MedGen C0687150, MONDO:0012004, OMIM 608266, HP:0006780.

Submission:

Labcorp Genetics (formerly Invitae), Labcorp
Classification: Uncertain significance for Parathyroid carcinoma. Last evaluated: 2022-08-06. Review status: criteria provided, single submitter. Criteria: Invitae Variant Classification Sherloc (09022015). Collection method: clinical testing. Allele origin: germline.
Comment: This variant, c.809_826del, results in the deletion of 6 amino acid(s) of the CDC73 protein (p.Ala270_Pro275del), but otherwise preserves the integrity of the reading frame. This variant is not present in population databases (gnomAD no frequency). This variant has not been reported in the literature in individuals affected with CDC73-related conditions. Experimental studies and prediction algorithms are not available or were not evaluated, and the functional significance of this variant is currently unknown. In summary, the available evidence is currently insufficient to determine the role of this variant in disease. Therefore, it has been classified as a Variant of Uncertain Significance.